The following is an entry in ClinVar:

ClinVar aggregate classification (germline): Uncertain significance. Review status: criteria provided, multiple submitters, no conflicts (2 of 4 stars). 2 submissions from 2 submitters: Uncertain significance (2). Last evaluated 2024-06-05.

Conditions:
Inborn genetic diseases. Identifiers: MedGen C0950123, MeSH D030342.

Allele frequency attached by ClinVar (database versions not stated): ExAC 0.00001; gnomAD 0.00001; gnomAD exomes 0.00001; TOPMed 0.00003.
gnomAD v4.1: 13 of 1,606,036 alleles (0.00081%); highest among the groups gnomAD compares: Admixed American, 0.01%; no homozygotes.

Submissions (2):

Ambry Genetics
Classification: Uncertain significance for Inborn genetic diseases. Last evaluated: 2024-06-05. Review status: criteria provided, single submitter. Criteria: Ambry Variant Classification Scheme 2023. Collection method: clinical testing. Allele origin: germline.

Labcorp Genetics (formerly Invitae), Labcorp
Classification: Uncertain significance. Last evaluated: 2022-08-08. Review status: criteria provided, single submitter. Criteria: Invitae Variant Classification Sherloc (09022015). Collection method: clinical testing. Allele origin: germline.
Comment: This sequence change replaces serine, which is neutral and polar, with asparagine, which is neutral and polar, at codon 1834 of the HERC1 protein (p.Ser1834Asn). This variant is present in population databases (rs770218639, gnomAD 0.009%). This variant has not been reported in the literature in individuals affected with HERC1-related conditions. Algorithms developed to predict the effect of missense changes on protein structure and function are either unavailable or do not agree on the potential impact of this missense change (SIFT: "Deleterious"; PolyPhen-2: "Benign"; Align-GVGD: "Class C45"). In summary, the available evidence is currently insufficient to determine the role of this variant in disease. Therefore, it has been classified as a Variant of Uncertain Significance.

NM_003922.4(HERC1):c.5501G>A (p.Ser1834Asn)

Gene: HERC1 (HECT and RLD domain containing E3 ubiquitin protein ligase family member 1; minus strand). Cytogenetic location: 15q22.31.
Variant type: single nucleotide variant.
Coding change: c.5501G>A on transcript NM_003922.4 (MANE Select); coding-DNA position 5501, G replaced by A.
Protein change: p.Ser1834Asn; replaces serine 1834 with asparagine.
Molecular consequence: missense variant.
Genome position (GRCh38, 1-based): chr15:63,694,137, C>T on the plus strand (G>A on the coding strand, the complement: HERC1 is on the minus strand). VCF-style: chr15-63694137-C-T. GRCh37 (hg19) VCF-style: chr15-63986336-C-T.
Other names: c.5501G>A (NM_003922.3); short protein forms S1834N.
Identifiers: ClinVar variation 2144872 (VCV002144872.5), dbSNP rs770218639, ClinGen allele CA7605520.
Genomic context (GRCh38, chr15:63,694,137, plus strand): 5'-GACAATAAATTCTTCAACTGACTACAGAGTAGATCCAACAAGGATTGAACTACTTTGGGA[C>T]TCAGTTTATCAGCATAGGTCCTATGTGAAATAAAAGAAAAAAATAAGTGGCAAACACACA-3'
Protein context (NP_003913.3, residues 1824-1844): ITTGTYADKL[Ser1834Asn]PKVVQSLLDL